The following is an entry in ClinVar:

ClinVar aggregate classification (germline): Likely benign. Review status: criteria provided, multiple submitters, no conflicts (2 of 4 stars). 2 submissions from 2 submitters: Likely benign (2). Last evaluated 2025-10-26.

Conditions:
SKIC3-related disorder. Also called: SKIC3-related condition.

Allele frequency attached by ClinVar (database versions not stated): gnomAD exomes 0.00006 and 0.00007; TOPMed 0.00006; gnomAD 0.00004; ExAC 0.00006.
gnomAD v4.1: 112 of 1,612,054 alleles (0.0069%); highest among the groups gnomAD compares: Middle Eastern, 0.017%; no homozygotes.

Submissions (3):

Labcorp Genetics (formerly Invitae), Labcorp
Classification: Likely benign. Last evaluated: 2025-10-26. Review status: criteria provided, single submitter. Criteria: Invitae Variant Classification Sherloc (09022015). Collection method: clinical testing. Allele origin: germline.

PreventionGenetics, part of Exact Sciences
Classification: Likely benign for SKIC3-related condition. Last evaluated: 2024-10-23. Review status: criteria provided, single submitter. Criteria: ACMG Guidelines, 2015. Collection method: clinical testing. Allele origin: germline.
Comment: This variant is classified as likely benign based on ACMG/AMP sequence variant interpretation guidelines (Richards et al. 2015 PMID: 25741868, with internal and published modifications).

Dr. Peter K. Rogan Lab, Western University
No classification provided (evidence only). Condition: Chronic lymphocytic leukemia/small lymphocytic lymphoma. Review status: no classification provided. Collection method: in vitro. Allele origin: not applicable. Functional consequence: skipped exon. Not counted in ClinVar's aggregate classification.

NM_014639.4(SKIC3):c.91-8T>A

Gene: SKIC3 (SKI3 subunit of superkiller complex; minus strand). Cytogenetic location: 5q15.
Variant type: single nucleotide variant.
Coding change: c.91-8T>A on transcript NM_014639.4 (MANE Select); 8 bases into the intron before coding-DNA position 91, T replaced by A.
Molecular consequence: intron variant.
Genome position (GRCh38, 1-based): chr5:95,543,335, A>T on the plus strand (T>A on the coding strand, the complement: SKIC3 is on the minus strand). VCF-style: chr5-95543335-A-T. GRCh37 (hg19) VCF-style: chr5-94879039-A-T.
Other names: c.91-8T>A (NM_014639.3).
Identifiers: ClinVar variation 1611476 (VCV001611476.10), dbSNP rs764730884, ClinGen allele CA3347710.